The following is an entry in ClinVar:

ClinVar aggregate classification (germline): Conflicting classifications of pathogenicity. Review status: criteria provided, conflicting classifications (1 of 4 stars). 3 submissions from 3 submitters: Uncertain significance (1); Likely benign (2). Last evaluated 2025-01-23.

Conditions:
Hypertrophic cardiomyopathy. Also called: HYPERTROPHIC MYOCARDIOPATHY. Identifiers: Orphanet 217569, MedGen C0007194, MeSH D002312, MONDO:0005045, HP:0001639.
Dilated cardiomyopathy 1Y (CMD1Y). Identifiers: Orphanet 154, Orphanet 54260, MedGen C2678476, MONDO:0012744, OMIM 611878.
Hypertrophic cardiomyopathy 3. Also called: TPM1-Related Familial Hypertrophic Cardiomyopathy. Identifiers: MedGen C1861863, MONDO:0007267, OMIM 115196.
Cardiomyopathy (CMYO). Also called: Cardiomyopathies. Identifiers: Orphanet 167848, MedGen C0878544, MONDO:0004994, HP:0001638. Inheritance: Various modes of inheritance.

Allele frequency attached by ClinVar (database versions not stated): gnomAD 0.00001.
gnomAD v4.1: 16 of 1,613,746 alleles (0.00099%); highest among the groups gnomAD compares: Middle Eastern, 0.016%; no homozygotes.

Submissions (3):

Labcorp Genetics (formerly Invitae), Labcorp
Classification: Uncertain significance for Hypertrophic cardiomyopathy. Last evaluated: 2025-01-23. Review status: criteria provided, single submitter. Criteria: Invitae Variant Classification Sherloc (09022015). Collection method: clinical testing. Allele origin: germline.
Comment: This sequence change falls in intron 5 of the TPM1 gene. It does not directly change the encoded amino acid sequence of the TPM1 protein. It affects a nucleotide within the consensus splice site. This variant is present in population databases (rs397516378, gnomAD 0.005%). This variant has not been reported in the literature in individuals affected with TPM1-related conditions. ClinVar contains an entry for this variant (Variation ID: 924780). Variants that disrupt the consensus splice site are a relatively common cause of aberrant splicing (PMID: 17576681, 9536098). Algorithms developed to predict the effect of sequence changes on RNA splicing suggest that this variant is not likely to affect RNA splicing. In summary, the available evidence is currently insufficient to determine the role of this variant in disease. Therefore, it has been classified as a Variant of Uncertain Significance.

Fulgent Genetics
Classification: Likely benign for Hypertrophic cardiomyopathy 3; Dilated cardiomyopathy 1Y. Last evaluated: 2021-08-17. Review status: criteria provided, single submitter. Criteria: ACMG Guidelines, 2015. Collection method: clinical testing. Allele origin: unknown.

Color Diagnostics, LLC DBA Color Health
Classification: Likely benign for Cardiomyopathy. Last evaluated: 2019-02-28. Review status: criteria provided, single submitter. Criteria: ACMG Guidelines, 2015. Collection method: clinical testing. Allele origin: germline.

Literature cited by the submitters: PubMed 17576681 (cited by Labcorp Genetics (formerly Invitae), Labcorp); PubMed 9536098 (cited by Labcorp Genetics (formerly Invitae), Labcorp).

NM_001018005.2(TPM1):c.563+6C>T

Gene: TPM1 (tropomyosin 1; plus strand). Cytogenetic location: 15q22.2.
Variant type: single nucleotide variant.
Coding change: c.563+6C>T on transcript NM_001018005.2 (MANE Select); 6 bases into the intron after coding-DNA position 563, C replaced by T.
Molecular consequence: intron variant.
Genome position (GRCh38, 1-based): chr15:63,060,945, C>T. VCF-style: chr15-63060945-C-T. GRCh37 (hg19) VCF-style: chr15-63353144-C-T.
Other names: c.689+6C>T (NM_001365778.1); c.563+6C>T (NM_001018020.2, NM_001018007.2, NM_001018006.2 and 6 more transcripts); c.455+6C>T (NM_001330351.2, NM_001330344.2, NM_001018008.2 and 5 more transcripts).
Identifiers: ClinVar variation 924780 (VCV000924780.5), dbSNP rs397516378, ClinGen allele CA030624.